The following is an entry in ClinVar:

NM_001365999.1(SZT2):c.2579A>C (p.Glu860Ala)

Gene: SZT2 (SZT2 subunit of KICSTOR complex; plus strand). Cytogenetic location: 1p34.2.
Variant type: single nucleotide variant.
Coding change: c.2579A>C on transcript NM_001365999.1 (MANE Select); coding-DNA position 2579, A replaced by C.
Protein change: p.Glu860Ala; replaces glutamic acid 860 with alanine.
Molecular consequence: missense variant.
Genome position (GRCh38, 1-based): chr1:43,425,141, A>C. VCF-style: chr1-43425141-A-C. GRCh37 (hg19) VCF-style: chr1-43890812-A-C.
Other names: c.2579A>C, p.Glu860Ala (NM_015284.4); c.2579A>C (NM_015284.3); short protein forms E860A.
Identifiers: ClinVar variation 1443608 (VCV001443608.5), dbSNP rs1375272994, ClinGen allele CA340013639.

ClinVar aggregate classification (germline): Uncertain significance. Review status: criteria provided, multiple submitters, no conflicts (2 of 4 stars). 3 submissions from 3 submitters: Uncertain significance (3). Last evaluated 2023-04-11.

Conditions:
Developmental and epileptic encephalopathy, 18 (DEE18). Also called: Early infantile epileptic encephalopathy 18. Identifiers: Orphanet 369894, MedGen C3809624, MONDO:0014201, OMIM 615476.
Inborn genetic diseases. Identifiers: MedGen C0950123, MeSH D030342.

Allele frequency attached by ClinVar (database versions not stated): gnomAD exomes below 0.00001 and 0.00001; gnomAD 0.00002; TOPMed 0.00002.
gnomAD v4.1: 8 of 1,614,036 alleles (0.0005%); highest among the groups gnomAD compares: African/African-American, 0.0093%; no homozygotes.

Submissions (3):

Genome-Nilou Lab
Classification: Uncertain significance for Developmental and epileptic encephalopathy, 18. Last evaluated: 2023-04-11. Review status: criteria provided, single submitter. Criteria: ACMG Guidelines, 2015. Collection method: clinical testing. Allele origin: germline. Affected: no.

Ambry Genetics
Classification: Uncertain significance for Inborn genetic diseases. Last evaluated: 2023-03-14. Review status: criteria provided, single submitter. Criteria: Ambry Variant Classification Scheme 2023. Collection method: clinical testing. Allele origin: germline.

Labcorp Genetics (formerly Invitae), Labcorp
Classification: Uncertain significance. Last evaluated: 2021-10-21. Review status: criteria provided, single submitter. Criteria: Invitae Variant Classification Sherloc (09022015). Collection method: clinical testing. Allele origin: germline.
Comment: This sequence change replaces glutamic acid with alanine at codon 860 of the SZT2 protein (p.Glu860Ala). The glutamic acid residue is highly conserved and there is a moderate physicochemical difference between glutamic acid and alanine. This variant is not present in population databases (ExAC no frequency). This variant has not been reported in the literature in individuals affected with SZT2-related conditions. Algorithms developed to predict the effect of missense changes on protein structure and function (SIFT, PolyPhen-2, Align-GVGD) all suggest that this variant is likely to be tolerated. In summary, the available evidence is currently insufficient to determine the role of this variant in disease. Therefore, it has been classified as a Variant of Uncertain Significance.